The following is an entry in ClinVar:

NM_003265.3(TLR3):c.1140C>A (p.Asn380Lys)

Gene: TLR3 (toll like receptor 3; plus strand). Cytogenetic location: 4q35.1.
Variant type: single nucleotide variant.
Coding change: c.1140C>A on transcript NM_003265.3 (MANE Select); coding-DNA position 1140, C replaced by A.
Protein change: p.Asn380Lys; replaces asparagine 380 with lysine.
Molecular consequence: missense variant.
Genome position (GRCh38, 1-based): chr4:186,082,826, C>A. VCF-style: chr4-186082826-C-A. GRCh37 (hg19) VCF-style: chr4-187003980-C-A.
Other names: short protein forms N380K.
Identifiers: ClinVar variation 1041149 (VCV001041149.9), dbSNP rs2099303769, ClinGen allele CA358931104.

ClinVar aggregate classification (germline): Uncertain significance (1 of 4 stars; one submission).

Conditions:
Encephalopathy, acute, infection-induced (herpes-specific), susceptibility to, 1. Also called: Herpes simplex encephalitis, susceptibility to, 1. Identifiers: Orphanet 1930, MedGen C2750180, MONDO:0024563, OMIM 610551.

Allele frequency attached by ClinVar (database versions not stated): TOPMed below 0.00001; gnomAD 0.00001.
gnomAD v4.1: 1 of 1,613,776 alleles (0.000062%); highest among the groups gnomAD compares: Admixed American, 0.0017%; no homozygotes.

Submission:

Labcorp Genetics (formerly Invitae), Labcorp
Classification: Uncertain significance for Encephalopathy, acute, infection-induced (herpes-specific), susceptibility to, 1. Last evaluated: 2020-07-24. Review status: criteria provided, single submitter. Criteria: Invitae Variant Classification Sherloc (09022015). Collection method: clinical testing. Allele origin: germline.
Comment: This variant has not been reported in the literature in individuals with TLR3-related conditions. In summary, the available evidence is currently insufficient to determine the role of this variant in disease. Therefore, it has been classified as a Variant of Uncertain Significance. Algorithms developed to predict the effect of missense changes on protein structure and function output the following: SIFT: "Tolerated"; PolyPhen-2: "Benign"; Align-GVGD: "Class C0". The lysine amino acid residue is found in multiple mammalian species, suggesting that this missense change does not adversely affect protein function. These predictions have not been confirmed by published functional studies and their clinical significance is uncertain. This variant is not present in population databases (ExAC no frequency). This sequence change replaces asparagine with lysine at codon 380 of the TLR3 protein (p.Asn380Lys). The asparagine residue is weakly conserved and there is a moderate physicochemical difference between asparagine and lysine.